The following is an entry in ClinVar:

NM_025114.4(CEP290):c.6820A>G (p.Met2274Val)

Gene: CEP290 (centrosomal protein 290; minus strand). Cytogenetic location: 12q21.32.
Variant type: single nucleotide variant.
Coding change: c.6820A>G on transcript NM_025114.4 (MANE Select); coding-DNA position 6820, A replaced by G.
Protein change: p.Met2274Val; replaces methionine 2274 with valine.
Molecular consequence: missense variant.
Genome position (GRCh38, 1-based): chr12:88,055,716, T>C on the plus strand (A>G on the coding strand, the complement: CEP290 is on the minus strand). VCF-style: chr12-88055716-T-C. GRCh37 (hg19) VCF-style: chr12-88449493-T-C.
Other names: short protein forms M2274V.
Identifiers: ClinVar variation 1487444 (VCV001487444.4), dbSNP rs1326611388, ClinGen allele CA385976700.

ClinVar aggregate classification (germline): Uncertain significance (1 of 4 stars; one submission).

Conditions:
Nephronophthisis. Also called: Juvenile Nephronophthisis. Identifiers: Orphanet 655, MedGen C0687120, MONDO:0019005, HP:0000090.
Meckel-Gruber syndrome. Also called: DYSENCEPHALIA SPLANCHNOCYSTICA; GRUBER SYNDROME; Dysencephalia splachnocystica. Identifiers: Orphanet 564, MedGen C0265215, MONDO:0018921.
Joubert syndrome. Also called: CEREBELLOPARENCHYMAL DISORDER IV; JOUBERT-BOLTSHAUSER SYNDROME; Familial aplasia of the vermis. Identifiers: Orphanet 475, MedGen C5979921, MONDO:0018772.

Allele frequency attached by ClinVar (database versions not stated): TOPMed below 0.00001; gnomAD exomes 0.00001; gnomAD 0.00003.
gnomAD v4.1: 12 of 1,501,760 alleles (0.0008%); highest among the groups gnomAD compares: Non-Finnish European, 0.0011%; no homozygotes.

Submissions (2):

Labcorp Genetics (formerly Invitae), Labcorp
Classification: Uncertain significance for Joubert syndrome; Meckel-Gruber syndrome; Nephronophthisis. Last evaluated: 2021-11-13. Review status: criteria provided, single submitter. Criteria: Invitae Variant Classification Sherloc (09022015). Collection method: clinical testing. Allele origin: germline.
Comment: This sequence change replaces methionine, which is neutral and non-polar, with valine, which is neutral and non-polar, at codon 2274 of the CEP290 protein (p.Met2274Val). This variant is present in population databases (no rsID available, gnomAD 0.02%). This variant has not been reported in the literature in individuals affected with CEP290-related conditions. Algorithms developed to predict the effect of missense changes on protein structure and function (SIFT, PolyPhen-2, Align-GVGD) all suggest that this variant is likely to be tolerated. In summary, the available evidence is currently insufficient to determine the role of this variant in disease. Therefore, it has been classified as a Variant of Uncertain Significance.

Dr. Peter K. Rogan Lab, Western University
No classification provided (evidence only). Condition: Malignant tumor of esophagus. Review status: no classification provided. Collection method: in vitro. Allele origin: not applicable. Functional consequence: retained intron. Not counted in ClinVar's aggregate classification.